The following is an entry in ClinVar:

ClinVar aggregate classification (germline): Uncertain significance (1 of 4 stars; one submission).

Conditions:
Hereditary cancer-predisposing syndrome. Also called: Neoplastic Syndromes, Hereditary; Tumor predisposition; Hereditary Cancer Syndrome; Hereditary neoplastic syndrome. Identifiers: Orphanet 140162, MedGen C0027672, MeSH D009386, MONDO:0015356.

Submission:

Ambry Genetics
Classification: Uncertain significance for Hereditary cancer-predisposing syndrome. Last evaluated: 2026-04-23. Review status: criteria provided, single submitter. Criteria: Ambry Variant Classification Scheme 2023. Collection method: clinical testing. Allele origin: germline.
Comment: The c.846+4A>T intronic variant results from an A to T substitution 4 nucleotides after coding exon 6 in the CHEK2 gene. This nucleotide position is highly conserved in available vertebrate species. In silico splice site analysis predicts that this alteration will weaken the native splice donor site. Based on the available evidence, the clinical significance of this variant remains unclear.

NM_007194.4(CHEK2):c.846+4A>T

Gene: CHEK2 (checkpoint kinase 2; minus strand). Cytogenetic location: 22q12.1.
Variant type: single nucleotide variant.
Coding change: c.846+4A>T on transcript NM_007194.4 (MANE Select); 4 bases into the intron after coding-DNA position 846, A replaced by T.
Molecular consequence: intron variant.
Genome position (GRCh38, 1-based): chr22:28,710,002, T>A on the plus strand (A>T on the coding strand, the complement: CHEK2 is on the minus strand). VCF-style: chr22-28710002-T-A. GRCh37 (hg19) VCF-style: chr22-29105990-T-A.
Other names: c.183+4A>T (NM_001437942.1, NM_001257387.3); c.645+4A>T (NM_001349956.3); c.846+4A>T (NM_145862.3); c.939+4A>T (NM_001438295.1, NM_001438293.1); c.975+4A>T (NM_001438294.1, NM_001005735.3).
Identifiers: ClinVar variation 4868932 (VCV004868932.1).